The following is an entry in ClinVar:

NM_001377142.1(PLCB4):c.3047C>T (p.Thr1016Met)

Gene: PLCB4 (phospholipase C beta 4; plus strand). Cytogenetic location: 20p12.2.
Variant type: single nucleotide variant.
Coding change: c.3047C>T on transcript NM_001377142.1 (MANE Select); coding-DNA position 3047, C replaced by T.
Protein change: p.Thr1016Met; replaces threonine 1016 with methionine.
Molecular consequence: missense variant.
Genome position (GRCh38, 1-based): chr20:9,457,464, C>T. VCF-style: chr20-9457464-C-T. GRCh37 (hg19) VCF-style: chr20-9438111-C-T.
Other names: c.3011C>T, p.Thr1004Met (NM_000933.4, NM_001377134.2, NM_001377135.1 and 2 more transcripts); c.3047C>T, p.Thr1016Met (NM_001172646.2, NM_001377143.1); c.3011C>T (NM_000933.3); short protein forms T1004M, T1016M.
Identifiers: ClinVar variation 2418638 (VCV002418638.7), dbSNP rs751930106, ClinGen allele CA9761582.

ClinVar aggregate classification (germline): Uncertain significance. Review status: criteria provided, multiple submitters, no conflicts (2 of 4 stars). 2 submissions from 2 submitters: Uncertain significance (2). Last evaluated 2024-05-12.

Conditions:
Inborn genetic diseases. Identifiers: MedGen C0950123, MeSH D030342.

Allele frequency attached by ClinVar (database versions not stated): gnomAD exomes 0.00002; gnomAD 0.00005; ExAC 0.00007; TOPMed 0.00007.
gnomAD v4.1: 42 of 1,545,548 alleles (0.0027%); highest among the groups gnomAD compares: East Asian, 0.009%; no homozygotes.

Submissions (2):

Ambry Genetics
Classification: Uncertain significance for Inborn genetic diseases. Last evaluated: 2024-05-12. Review status: criteria provided, single submitter. Criteria: Ambry Variant Classification Scheme 2023. Collection method: clinical testing. Allele origin: germline.

Labcorp Genetics (formerly Invitae), Labcorp
Classification: Uncertain significance. Last evaluated: 2022-07-03. Review status: criteria provided, single submitter. Criteria: Invitae Variant Classification Sherloc (09022015). Collection method: clinical testing. Allele origin: germline.
Comment: In summary, the available evidence is currently insufficient to determine the role of this variant in disease. Therefore, it has been classified as a Variant of Uncertain Significance. Advanced modeling of protein sequence and biophysical properties (such as structural, functional, and spatial information, amino acid conservation, physicochemical variation, residue mobility, and thermodynamic stability) performed at Invitae indicates that this missense variant is not expected to disrupt PLCB4 protein function. This variant has not been reported in the literature in individuals affected with PLCB4-related conditions. This variant is present in population databases (rs751930106, gnomAD 0.006%). This sequence change replaces threonine, which is neutral and polar, with methionine, which is neutral and non-polar, at codon 1004 of the PLCB4 protein (p.Thr1004Met).